The following is an entry in ClinVar:

NM_001042492.3(NF1):c.5096G>T (p.Gly1699Val)

Gene: NF1 (neurofibromin 1; plus strand). Cytogenetic location: 17q11.2.
Variant type: single nucleotide variant.
Coding change: c.5096G>T on transcript NM_001042492.3 (MANE Select); coding-DNA position 5096, G replaced by T.
Protein change: p.Gly1699Val; replaces glycine 1699 with valine.
Molecular consequence: missense variant.
Genome position (GRCh38, 1-based): chr17:31,326,080, G>T. VCF-style: chr17-31326080-G-T. GRCh37 (hg19) VCF-style: chr17-29653098-G-T.
Other names: c.5033G>T, p.Gly1678Val (NM_000267.4); short protein forms G1678V, G1699V.
Identifiers: ClinVar variation 1318853 (VCV001318853.3), dbSNP rs2069333669, ClinGen allele CA399007569.
Genomic context (GRCh38, chr17:31,326,080, plus strand): 5'-TCTATAACTGTAACTCCTGGGTCAGGGAGTACACCAAGTATCATGAGCGGCTGCTGACTG[G>T]CCTCAAAGGTAGCAAAAGGCTTGTTTTCATAGACTGTCCTGGGAAACTGGCTGAGCACAT-3'
Protein context (NP_001035957.1, residues 1689-1709): YTKYHERLLT[Gly1699Val]LKGSKRLVFI

ClinVar aggregate classification (germline): Uncertain significance. Review status: criteria provided, multiple submitters, no conflicts (2 of 4 stars). 2 submissions from 2 submitters: Uncertain significance (2). Last evaluated 2025-09-01.

Conditions:
Hereditary cancer-predisposing syndrome. Also called: Hereditary neoplastic syndrome; Neoplastic Syndromes, Hereditary; Tumor predisposition; Hereditary Cancer Syndrome. Identifiers: Orphanet 140162, MedGen C0027672, MeSH D009386, MONDO:0015356.
Cardiovascular phenotype. Identifiers: MedGen CN230736.

Submissions (2):

Ambry Genetics
Classification: Uncertain significance for Cardiovascular phenotype; Hereditary cancer-predisposing syndrome. Last evaluated: 2025-09-01. Review status: criteria provided, single submitter. Criteria: Ambry Variant Classification Scheme 2023. Collection method: clinical testing. Allele origin: germline.
Comment: The p.G1678V variant (also known as c.5033G>T), located in coding exon 36 of the NF1 gene, results from a G to T substitution at nucleotide position 5033. The glycine at codon 1678 is replaced by valine, an amino acid with dissimilar properties. This amino acid position is conserved. In addition, this alteration is predicted to be deleterious by in silico analysis. Based on the available evidence, the clinical significance of this variant remains unclear.

GeneDx
Classification: Uncertain significance. Last evaluated: 2018-12-28. Review status: criteria provided, single submitter. Criteria: GeneDx Variant Classification Process June 2021. Collection method: clinical testing. Allele origin: germline. Affected: yes.
Comment: Not observed in large population cohorts (Lek et al., 2016); In silico analysis, which includes protein predictors and evolutionary conservation, supports a deleterious effect; Has not been previously published as pathogenic or benign to our knowledge